The following is an entry in ClinVar:

ClinVar aggregate classification (germline): Uncertain significance (1 of 4 stars; one submission).

Conditions:
Osteogenesis imperfecta type 8 (OI8). Identifiers: MedGen C1970458, MONDO:0012581, OMIM 610915.

Allele frequency attached by ClinVar (database versions not stated): ExAC 0.00001; gnomAD exomes 0.00002.
gnomAD v4.1: 32 of 1,613,656 alleles (0.002%); highest among the groups gnomAD compares: Non-Finnish European, 0.0025%; no homozygotes.

Submission:

Labcorp Genetics (formerly Invitae), Labcorp
Classification: Uncertain significance for Osteogenesis imperfecta type 8. Last evaluated: 2022-02-28. Review status: criteria provided, single submitter. Criteria: Invitae Variant Classification Sherloc (09022015). Collection method: clinical testing. Allele origin: germline.
Comment: This sequence change replaces lysine, which is basic and polar, with arginine, which is basic and polar, at codon 520 of the P3H1 protein (p.Lys520Arg). This variant is present in population databases (rs752109889, gnomAD 0.004%). This variant has not been reported in the literature in individuals affected with P3H1-related conditions. ClinVar contains an entry for this variant (Variation ID: 861037). Algorithms developed to predict the effect of missense changes on protein structure and function (SIFT, PolyPhen-2, Align-GVGD) all suggest that this variant is likely to be tolerated. Algorithms developed to predict the effect of sequence changes on RNA splicing suggest that this variant may create or strengthen a splice site. In summary, the available evidence is currently insufficient to determine the role of this variant in disease. Therefore, it has been classified as a Variant of Uncertain Significance.

NM_022356.4(P3H1):c.1559A>G (p.Lys520Arg)

Gene: P3H1 (prolyl 3-hydroxylase 1; minus strand). Cytogenetic location: 1p34.2.
Variant type: single nucleotide variant.
Coding change: c.1559A>G on transcript NM_022356.4 (MANE Select); coding-DNA position 1559, A replaced by G.
Protein change: p.Lys520Arg; replaces lysine 520 with arginine.
Molecular consequence: missense variant.
Genome position (GRCh38, 1-based): chr1:42,752,284, T>C on the plus strand (A>G on the coding strand, the complement: P3H1 is on the minus strand). VCF-style: chr1-42752284-T-C. GRCh37 (hg19) VCF-style: chr1-43217955-T-C.
Other names: c.1559A>G, p.Lys520Arg (NM_001146289.2, NM_001243246.2); short protein forms K520R.
Identifiers: ClinVar variation 861037 (VCV000861037.7), dbSNP rs752109889, ClinGen allele CA801801.